The following is an entry in ClinVar:

ClinVar aggregate classification (germline): Uncertain significance (1 of 4 stars; one submission).

Conditions:
Long QT syndrome (LQTS). Identifiers: MedGen C0023976, MeSH D008133, MONDO:0002442. Disease mechanism: loss of function. Inheritance: Various modes of inheritance.

gnomAD v4.1: 1 of 1,614,076 alleles (0.000062%); highest among the groups gnomAD compares: Non-Finnish European, 0.000085%; no homozygotes.

Submission:

Labcorp Genetics (formerly Invitae), Labcorp
Classification: Uncertain significance for Long QT syndrome. Last evaluated: 2022-09-01. Review status: criteria provided, single submitter. Criteria: Invitae Variant Classification Sherloc (09022015). Collection method: clinical testing. Allele origin: germline.
Comment: This variant has not been reported in the literature in individuals affected with AKAP9-related conditions. This variant is not present in population databases (gnomAD no frequency). This sequence change replaces histidine, which is basic and polar, with proline, which is neutral and non-polar, at codon 1127 of the AKAP9 protein (p.His1127Pro). Algorithms developed to predict the effect of missense changes on protein structure and function are either unavailable or do not agree on the potential impact of this missense change (SIFT: "Deleterious"; PolyPhen-2: "Probably Damaging"; Align-GVGD: "Class C0"). In summary, the available evidence is currently insufficient to determine the role of this variant in disease. Therefore, it has been classified as a Variant of Uncertain Significance.

NM_005751.5(AKAP9):c.3380A>C (p.His1127Pro)

Gene: AKAP9 (A-kinase anchoring protein 9; plus strand). Cytogenetic location: 7q21.2.
Variant type: single nucleotide variant.
Coding change: c.3380A>C on transcript NM_005751.5 (MANE Select); coding-DNA position 3380, A replaced by C.
Protein change: p.His1127Pro; replaces histidine 1127 with proline.
Molecular consequence: missense variant.
Genome position (GRCh38, 1-based): chr7:92,012,490, A>C. VCF-style: chr7-92012490-A-C. GRCh37 (hg19) VCF-style: chr7-91641804-A-C.
Other names: c.3380A>C, p.His1127Pro (NM_147185.3); short protein forms H1127P.
Identifiers: ClinVar variation 1975552 (VCV001975552.5), dbSNP rs775317970, ClinGen allele CA368125865.